The following is an entry in ClinVar:

ClinVar aggregate classification (germline): Uncertain significance (1 of 4 stars; one submission).

Conditions:
Mast syndrome. Also called: SPASTIC PARAPLEGIA 21, AUTOSOMAL RECESSIVE. Identifiers: Orphanet 101001, MedGen C1855346, MONDO:0009568, OMIM 248900.

Allele frequency attached by ClinVar (database versions not stated): gnomAD exomes below 0.00001 and 0.00001; gnomAD 0.00001; TOPMed 0.00001.
gnomAD v4.1: 21 of 1,610,678 alleles (0.0013%); highest among the groups gnomAD compares: Middle Eastern, 0.049%; no homozygotes.

Submission:

Labcorp Genetics (formerly Invitae), Labcorp
Classification: Uncertain significance for Mast syndrome. Last evaluated: 2019-11-26. Review status: criteria provided, single submitter. Criteria: Invitae Variant Classification Sherloc (09022015). Collection method: clinical testing. Allele origin: germline.
Comment: This sequence change falls in intron 5 of the SPG21 gene. It does not directly change the encoded amino acid sequence of the SPG21 protein, but it affects a nucleotide within the consensus splice site of the intron. This variant is not present in population databases (ExAC no frequency). This variant has not been reported in the literature in individuals with SPG21-related conditions. Nucleotide substitutions within the consensus splice site are a relatively common cause of aberrant splicing (PMID: 17576681, 9536098). Algorithms developed to predict the effect of sequence changes on RNA splicing suggest that this variant is not likely to affect RNA splicing, but this prediction has not been confirmed by published transcriptional studies. In summary, the available evidence is currently insufficient to determine the role of this variant in disease. Therefore, it has been classified as a Variant of Uncertain Significance.

Literature cited by the submitters: PubMed 17576681; PubMed 9536098.

NM_016630.7(SPG21):c.453-3C>T

Gene: SPG21 (SPG21 abhydrolase domain containing, maspardin; minus strand). Cytogenetic location: 15q22.31.
Variant type: single nucleotide variant.
Coding change: c.453-3C>T on transcript NM_016630.7 (MANE Select); 3 bases into the intron before coding-DNA position 453, C replaced by T.
Molecular consequence: intron variant.
Genome position (GRCh38, 1-based): chr15:64,970,225, G>A on the plus strand (C>T on the coding strand, the complement: SPG21 is on the minus strand). VCF-style: chr15-64970225-G-A. GRCh37 (hg19) VCF-style: chr15-65262563-G-A.
Other names: c.372-3C>T (NM_001127890.5); c.453-3C>T (NM_001127889.5).
Identifiers: ClinVar variation 844145 (VCV000844145.9), dbSNP rs958910728, ClinGen allele CA271502633.